The following is an entry in ClinVar:

ClinVar aggregate classification (germline): Pathogenic (1 of 4 stars; one submission).

Conditions:
Hypertrophic cardiomyopathy. Also called: HYPERTROPHIC MYOCARDIOPATHY. Identifiers: Orphanet 217569, MedGen C0007194, MeSH D002312, MONDO:0005045, HP:0001639.

Submission:

Labcorp Genetics (formerly Invitae), Labcorp
Classification: Pathogenic for Hypertrophic cardiomyopathy. Last evaluated: 2022-05-01. Review status: criteria provided, single submitter. Criteria: Invitae Variant Classification Sherloc (09022015). Collection method: clinical testing. Allele origin: germline.
Comment: For these reasons, this variant has been classified as Pathogenic. This variant has not been reported in the literature in individuals affected with MYBPC3-related conditions. This variant is not present in population databases (gnomAD no frequency). This sequence change creates a premature translational stop signal (p.Ile603Thrfs*6) in the MYBPC3 gene. It is expected to result in an absent or disrupted protein product. Loss-of-function variants in MYBPC3 are known to be pathogenic (PMID: 19574547).

Literature cited by the submitters: PubMed 19574547.

NM_000256.3(MYBPC3):c.1808_1821del (p.Ile603fs)

Gene: MYBPC3 (myosin binding protein C3; minus strand). Cytogenetic location: 11p11.2.
Variant type: Deletion.
Coding change: c.1808_1821del on transcript NM_000256.3 (MANE Select); coding-DNA positions 1808 to 1821, 14 bases deleted (TTGACGACGTCACA).
Protein change: p.Ile603fs; shifts the reading frame from isoleucine 603.
Molecular consequence: frameshift variant.
Genome position (GRCh38, 1-based): chr11:47,341,214-47,341,227, TGTGACGTCGTCAA deleted on the plus strand (TTGACGACGTCACA on the coding strand, the reverse complement: MYBPC3 is on the minus strand); deleting any 14 consecutive bases within chr11:47,341,214-47,341,229 gives the same sequence; the c. name uses the placement nearest the transcript's 3' end. VCF-style (leftmost placement, unchanged base first): chr11-47341213-GTGTGACGTCGTCAA-G. GRCh37 (hg19) VCF-style: chr11-47362764-GTGTGACGTCGTCAA-G.
Other names: short protein forms I603fs.
Identifiers: ClinVar variation 2080547 (VCV002080547.4), dbSNP rs2495759901, ClinGen allele CA2580084222.